The following is an entry in ClinVar:

NM_030777.4(SLC2A10):c.388C>T (p.Arg130Trp)

Gene: SLC2A10 (solute carrier family 2 member 10; plus strand). Cytogenetic location: 20q13.12.
Variant type: single nucleotide variant.
Coding change: c.388C>T on transcript NM_030777.4 (MANE Select); coding-DNA position 388, C replaced by T.
Protein change: p.Arg130Trp; replaces arginine 130 with tryptophan.
Molecular consequence: missense variant.
Genome position (GRCh38, 1-based): chr20:46,725,424, C>T. VCF-style: chr20-46725424-C-T. GRCh37 (hg19) VCF-style: chr20-45354063-C-T.
Other names: short protein forms R130W.
Identifiers: ClinVar variation 520172 (VCV000520172.21), dbSNP rs201150247, ClinGen allele CA9891968.

ClinVar aggregate classification (germline): Uncertain significance. Review status: criteria provided, multiple submitters, no conflicts (2 of 4 stars). 4 submissions from 4 submitters: Uncertain significance (4). Last evaluated 2025-05-23.

Conditions:
Arterial tortuosity syndrome (ATORS). Identifiers: Orphanet 3342, MedGen C1859726, MONDO:0008818, OMIM 208050.
Familial thoracic aortic aneurysm and aortic dissection (TAAD). Also called: Thoracic aortic aneurysms and dissections. Identifiers: Orphanet 91387, MedGen C4707243, MONDO:0019625.

Allele frequency attached by ClinVar (database versions not stated): gnomAD exomes 0.00004 and 0.00007; ExAC 0.00007; 1000 Genomes Project 30x 0.00016; gnomAD 0.00019; 1000 Genomes Project 0.00020; TOPMed 0.00023.

Submissions (4):

Ambry Genetics
Classification: Uncertain significance for Familial thoracic aortic aneurysm and aortic dissection. Last evaluated: 2025-05-23. Review status: criteria provided, single submitter. Criteria: Ambry Variant Classification Scheme 2023. Collection method: clinical testing. Allele origin: germline.

GeneDx
Classification: Uncertain significance. Last evaluated: 2023-06-12. Review status: criteria provided, single submitter. Criteria: GeneDx Variant Classification Process June 2021. Collection method: clinical testing. Allele origin: germline. Affected: yes.
Comment: Has not been previously published as pathogenic or benign to our knowledge; In silico analysis supports that this missense variant has a deleterious effect on protein structure/function

Labcorp Genetics (formerly Invitae), Labcorp
Classification: Uncertain significance for Arterial tortuosity syndrome. Last evaluated: 2022-05-04. Review status: criteria provided, single submitter. Criteria: Invitae Variant Classification Sherloc (09022015). Collection method: clinical testing. Allele origin: germline.
Comment: This sequence change replaces arginine, which is basic and polar, with tryptophan, which is neutral and slightly polar, at codon 130 of the SLC2A10 protein (p.Arg130Trp). This variant is present in population databases (rs201150247, gnomAD 0.04%). This variant has not been reported in the literature in individuals affected with SLC2A10-related conditions. ClinVar contains an entry for this variant (Variation ID: 520172). Advanced modeling of protein sequence and biophysical properties (such as structural, functional, and spatial information, amino acid conservation, physicochemical variation, residue mobility, and thermodynamic stability) performed at Invitae indicates that this missense variant is not expected to disrupt SLC2A10 protein function. In summary, the available evidence is currently insufficient to determine the role of this variant in disease. Therefore, it has been classified as a Variant of Uncertain Significance.

Blueprint Genetics
Classification: Uncertain significance. Last evaluated: 2021-11-22. Review status: criteria provided, single submitter. Criteria: ACMG Guidelines, 2015. Collection method: clinical testing. Allele origin: germline.